The following is an entry in ClinVar:

ClinVar aggregate classification (germline): Uncertain significance (1 of 4 stars; one submission).

Conditions:
Osteogenesis imperfecta type I (OI1). Also called: Lobstein disease; Classic Non-deforming Osteogenesis Imperfecta with Blue Sclerae; Lobstein's Disease; Osteogenesis imperfecta type 1; OI, TYPE I; OSTEOGENESIS IMPERFECTA TARDA. Identifiers: Orphanet 216796, Orphanet 666, MedGen C0023931, MONDO:0008146, OMIM 166200. Disease mechanism: loss of function.

Submission:

Labcorp Genetics (formerly Invitae), Labcorp
Classification: Uncertain significance for Osteogenesis imperfecta type I. Last evaluated: 2025-08-25. Review status: criteria provided, single submitter. Criteria: Invitae Variant Classification Sherloc (09022015). Collection method: clinical testing. Allele origin: germline.
Comment: This sequence change falls in intron 47 of the COL1A1 gene. It does not directly change the encoded amino acid sequence of the COL1A1 protein. It affects a nucleotide within the consensus splice site. This variant is not present in population databases (gnomAD no frequency). This variant has been observed in individual(s) with clinical features of COL1A1-related conditions (internal data). ClinVar contains an entry for this variant (Variation ID: 1922708). Variants that disrupt the consensus splice site are a relatively common cause of aberrant splicing (PMID: 17576681, 9536098). Algorithms developed to predict the effect of sequence changes on RNA splicing suggest that this variant may disrupt the consensus splice site. In summary, the available evidence is currently insufficient to determine the role of this variant in disease. Therefore, it has been classified as a Variant of Uncertain Significance.

Literature cited by the submitters: PubMed 17576681; PubMed 9536098.

NM_000088.4(COL1A1):c.3531+6T>C

Gene: COL1A1 (collagen type I alpha 1 chain; minus strand). Cytogenetic location: 17q21.33.
Variant type: single nucleotide variant.
Coding change: c.3531+6T>C on transcript NM_000088.4 (MANE Select); 6 bases into the intron after coding-DNA position 3531, T replaced by C.
Molecular consequence: intron variant.
Genome position (GRCh38, 1-based): chr17:50,187,009, A>G on the plus strand (T>C on the coding strand, the complement: COL1A1 is on the minus strand). VCF-style: chr17-50187009-A-G. GRCh37 (hg19) VCF-style: chr17-48264370-A-G.
Identifiers: ClinVar variation 1922708 (VCV001922708.5), dbSNP rs2509166300, ClinGen allele CA2580094189.